The following is an entry in ClinVar:

ClinVar aggregate classification (germline): Conflicting classifications of pathogenicity. Review status: criteria provided, conflicting classifications (1 of 4 stars). 10 submissions from 10 submitters: Uncertain significance (1); Benign (4); Likely benign (3). 2 of the submissions do not count toward it. Last evaluated 2026-01-27.

Conditions:
Focal segmental glomerulosclerosis (FSGS). Also called: Glomerulosclerosis, focal; Focal sclerosis with hyalinosis. Identifiers: MedGen C0017668, MONDO:0100313, HP:0000097. Disease mechanism: loss of function.

Allele frequency attached by ClinVar (database versions not stated): gnomAD exomes 0.00077; ExAC 0.00204; ESP Exome Variant Server 0.00274; gnomAD 0.00543 and 0.00574; 1000 Genomes Project 0.00619; TOPMed 0.00620.
gnomAD v4.1: 1,458 of 1,557,410 alleles (0.094%); highest among the groups gnomAD compares: African/African-American, 1.8%; 15 homozygotes.

Submissions (10):

Labcorp Genetics (formerly Invitae), Labcorp
Classification: Benign. Last evaluated: 2026-01-27. Review status: criteria provided, single submitter. Criteria: Invitae Variant Classification Sherloc (09022015). Collection method: clinical testing. Allele origin: germline.

Mayo Clinic Laboratories, Mayo Clinic
Classification: Benign. Last evaluated: 2025-10-15. Review status: criteria provided, single submitter. Criteria: ACMG Guidelines, 2015. Collection method: clinical testing. Allele origin: germline. Observed: 20 variant alleles.
Comment: BS1, BS2, BP4_moderate

Blueprint Genetics
Classification: Likely benign. Last evaluated: 2024-11-22. Review status: criteria provided, single submitter. Criteria: ACMG Guidelines, 2015. Collection method: clinical testing. Allele origin: germline.

Genome Diagnostics Laboratory, The Hospital for Sick Children
Classification: Likely benign for Focal segmental glomerulosclerosis. Last evaluated: 2022-03-14. Review status: criteria provided, single submitter. Criteria: ACMG Guidelines, 2015. Collection method: clinical testing. Allele origin: germline.

GeneDx
Classification: Benign. Last evaluated: 2019-01-17. Review status: criteria provided, single submitter. Criteria: GeneDx Variant Classification Process June 2021. Collection method: clinical testing. Allele origin: germline. Affected: yes.

Center for Pediatric Genomic Medicine, Children's Mercy Hospital and Clinics
Classification: Likely benign. Last evaluated: 2017-05-03. Review status: criteria provided, single submitter. Criteria: ACMG Guidelines, 2015. Collection method: clinical testing. Allele origin: germline.

Genomic Diagnostic Laboratory, Division of Genomic Diagnostics, Children's Hospital of Philadelphia
Classification: Uncertain significance. Last evaluated: 2015-06-17. Review status: criteria provided, single submitter. Criteria: DGD Variant Analysis Guidelines. Collection method: clinical testing. Allele origin: unknown.

PreventionGenetics, part of Exact Sciences
Classification: Benign. Review status: criteria provided, single submitter. Criteria: ACMG Guidelines, 2015. Collection method: clinical testing. Allele origin: germline.

Clinical Genetics DNA and cytogenetics Diagnostics Lab, Erasmus MC, Erasmus Medical Center
Classification: Benign. Review status: no assertion criteria provided. Collection method: clinical testing. Allele origin: germline. Affected: yes. Study: VKGL Data-share Consensus. Not counted in ClinVar's aggregate classification.

Genome Diagnostics Laboratory, University Medical Center Utrecht
Classification: Benign. Review status: no assertion criteria provided. Collection method: clinical testing. Allele origin: germline. Affected: yes. Study: VKGL Data-share Consensus. Not counted in ClinVar's aggregate classification.

NM_001358921.2(COQ2):c.194A>C (p.Asp65Ala)

Genes: COQ2 (coenzyme Q2, polyprenyltransferase; minus strand), LOC112997540 (Sharpr-MPRA regulatory region 13773; plus strand). Cytogenetic location: 4q21.23.
Variant type: single nucleotide variant.
Coding change: c.194A>C on transcript NM_001358921.2 (MANE Select); coding-DNA position 194, A replaced by C.
Protein change: p.Asp65Ala; replaces aspartic acid 65 with alanine.
Molecular consequence: missense variant.
Genome position (GRCh38, 1-based): chr4:83,284,571, T>G on the plus strand (A>C on the coding strand, the complement: COQ2 is on the minus strand). VCF-style: chr4-83284571-T-G. GRCh37 (hg19) VCF-style: chr4-84205724-T-G.
Other names: p.Asp115Ala; c.344A>C (NM_015697.8); c.344A>C, p.Asp115Ala (NM_015697.9); short protein forms D115A, D65A.
Identifiers: ClinVar variation 218722 (VCV000218722.20), dbSNP rs375934957, ClinGen allele CA249307.